The following is an entry in ClinVar:

ClinVar aggregate classification (germline): Uncertain significance (1 of 4 stars; one submission).

Conditions:
Cardiovascular phenotype. Identifiers: MedGen CN230736.

Submission:

Ambry Genetics
Classification: Uncertain significance for Cardiovascular phenotype. Last evaluated: 2025-12-19. Review status: criteria provided, single submitter. Criteria: Ambry Variant Classification Scheme 2023. Collection method: clinical testing. Allele origin: germline.
Comment: The p.P3376L variant (also known as c.10127C>T), located in coding exon 29 of the TNXB gene, results from a C to T substitution at nucleotide position 10127. The proline at codon 3376 is replaced by leucine, an amino acid with similar properties. This amino acid position is conserved. In addition, this alteration is predicted to be tolerated by in silico analysis. Based on the available evidence, the clinical significance of this variant remains unclear.

NM_001365276.2(TNXB):c.10133C>T (p.Pro3378Leu)

Gene: TNXB (tenascin XB; minus strand). Cytogenetic location: 6p21.33.
Variant type: single nucleotide variant.
Coding change: c.10133C>T on transcript NM_001365276.2 (MANE Select); coding-DNA position 10133, C replaced by T.
Protein change: p.Pro3378Leu; replaces proline 3378 with leucine.
Molecular consequence: missense variant.
Genome position (GRCh38, 1-based): chr6:32,047,925, G>A on the plus strand (C>T on the coding strand, the complement: TNXB is on the minus strand). VCF-style: chr6-32047925-G-A. GRCh37 (hg19) VCF-style: chr6-32015702-G-A.
Other names: c.10874C>T, p.Pro3625Leu (NM_001428335.1); c.10127C>T, p.Pro3376Leu (NM_019105.8); short protein forms P3376L, P3378L, P3625L.
Identifiers: ClinVar variation 4842862 (VCV004842862.1).